The following is an entry in ClinVar:

ClinVar aggregate classification (germline): Uncertain significance (1 of 4 stars; one submission).

Conditions:
Werner syndrome (WRN). Identifiers: Orphanet 902, MedGen C0043119, MONDO:0010196, OMIM 277700.

Submission:

Labcorp Genetics (formerly Invitae), Labcorp
Classification: Uncertain significance for Werner syndrome. Last evaluated: 2022-06-28. Review status: criteria provided, single submitter. Criteria: Invitae Variant Classification Sherloc (09022015). Collection method: clinical testing. Allele origin: germline.
Comment: In summary, the available evidence is currently insufficient to determine the role of this variant in disease. Therefore, it has been classified as a Variant of Uncertain Significance. Algorithms developed to predict the effect of missense changes on protein structure and function output the following: SIFT: "Not Available"; PolyPhen-2: "Benign"; Align-GVGD: "Not Available". The isoleucine amino acid residue is found in multiple mammalian species, which suggests that this missense change does not adversely affect protein function. This variant has not been reported in the literature in individuals affected with WRN-related conditions. This variant is not present in population databases (gnomAD no frequency). This sequence change replaces methionine, which is neutral and non-polar, with isoleucine, which is neutral and non-polar, at codon 1190 of the WRN protein (p.Met1190Ile).

NM_000553.6(WRN):c.3570G>A (p.Met1190Ile)

Gene: WRN (WRN RecQ like helicase; plus strand). Cytogenetic location: 8p12.
Variant type: single nucleotide variant.
Coding change: c.3570G>A on transcript NM_000553.6 (MANE Select); coding-DNA position 3570, G replaced by A.
Protein change: p.Met1190Ile; replaces methionine 1190 with isoleucine.
Molecular consequence: missense variant.
Genome position (GRCh38, 1-based): chr8:31,147,474, G>A. VCF-style: chr8-31147474-G-A. GRCh37 (hg19) VCF-style: chr8-31004990-G-A.
Other names: short protein forms M1190I.
Identifiers: ClinVar variation 2011702 (VCV002011702.4), dbSNP rs2536043450, ClinGen allele CA370926225.